The following is an entry in ClinVar:

NM_000639.3(FASLG):c.401C>G (p.Pro134Arg)

Gene: FASLG (Fas ligand; plus strand). Cytogenetic location: 1q24.3.
Variant type: single nucleotide variant.
Coding change: c.401C>G on transcript NM_000639.3 (MANE Select); coding-DNA position 401, C replaced by G.
Protein change: p.Pro134Arg; replaces proline 134 with arginine.
Molecular consequence: missense variant.
Genome position (GRCh38, 1-based): chr1:172,664,340, C>G. VCF-style: chr1-172664340-C-G. GRCh37 (hg19) VCF-style: chr1-172633480-C-G.
Other names: c.355C>G, p.Pro119Ala (NM_001302746.2); short protein forms P119A, P134R.
Identifiers: ClinVar variation 1363016 (VCV001363016.6), dbSNP rs766811734, ClinGen allele CA1247555.

ClinVar aggregate classification (germline): Uncertain significance (1 of 4 stars; one submission).

Conditions:
Autoimmune lymphoproliferative syndrome type 1. Also called: AUTOIMMUNE LYMPHOPROLIFERATIVE SYNDROME, TYPE I, AUTOSOMAL DOMINANT. Identifiers: Orphanet 3261, MedGen C2717884, MONDO:0011158, OMIM 601859.

Allele frequency attached by ClinVar (database versions not stated): TOPMed below 0.00001; ExAC 0.00001; gnomAD exomes below 0.00001.

Submission:

Labcorp Genetics (formerly Invitae), Labcorp
Classification: Uncertain significance for Autoimmune lymphoproliferative syndrome. Last evaluated: 2022-03-19. Review status: criteria provided, single submitter. Criteria: Invitae Variant Classification Sherloc (09022015). Collection method: clinical testing. Allele origin: germline.
Comment: In summary, the available evidence is currently insufficient to determine the role of this variant in disease. Therefore, it has been classified as a Variant of Uncertain Significance. Algorithms developed to predict the effect of missense changes on protein structure and function output the following: SIFT: "Tolerated"; PolyPhen-2: "Benign"; Align-GVGD: "Class C0". The arginine amino acid residue is found in multiple mammalian species, which suggests that this missense change does not adversely affect protein function. This variant has not been reported in the literature in individuals affected with FASLG-related conditions. This variant is present in population databases (rs766811734, gnomAD 0.0009%). This sequence change replaces proline, which is neutral and non-polar, with arginine, which is basic and polar, at codon 134 of the FASLG protein (p.Pro134Arg).